The following is an entry in ClinVar:

NM_000051.4(ATM):c.5160C>A (p.Asn1720Lys)

Gene: ATM (ATM serine/threonine kinase; plus strand). Cytogenetic location: 11q22.3.
Variant type: single nucleotide variant.
Coding change: c.5160C>A on transcript NM_000051.4 (MANE Select); coding-DNA position 5160, C replaced by A.
Protein change: p.Asn1720Lys; replaces asparagine 1720 with lysine.
Molecular consequence: missense variant.
Genome position (GRCh38, 1-based): chr11:108,299,868, C>A. VCF-style: chr11-108299868-C-A. GRCh37 (hg19) VCF-style: chr11-108170595-C-A.
Other names: c.5160C>A, p.Asn1720Lys (NM_001351834.2); short protein forms N1720K.
Identifiers: ClinVar variation 584792 (VCV000584792.4), dbSNP rs1565474287, ClinGen allele CA382541116.
Genomic context (GRCh38, chr11:108,299,868, plus strand): 5'-TAAGTTATTTGAAGATAAAGAACTTCAGTGGACCTTCATAATGCTGACCTACCTGAATAA[C>A]ACACTGGTAGAAGATTGGTGAGTATTTATTGATACCTTATATGTAATCTCAATATGACAT-3'
Protein context (NP_000042.3, residues 1710-1730): WTFIMLTYLN[Asn1720Lys]TLVEDCVKVR

ClinVar aggregate classification (germline): Uncertain significance. Review status: criteria provided, multiple submitters, no conflicts (2 of 4 stars). 2 submissions from 2 submitters: Uncertain significance (2). Last evaluated 2018-07-02.

Conditions:
Hereditary cancer-predisposing syndrome. Also called: Neoplastic Syndromes, Hereditary; Hereditary Cancer Syndrome; Tumor predisposition; Hereditary neoplastic syndrome. Identifiers: Orphanet 140162, MedGen C0027672, MeSH D009386, MONDO:0015356.
Ataxia-telangiectasia syndrome (AT). Also called: Ataxia-telangiectasia, complementation group D; AT, COMPLEMENTATION GROUP C; Ataxia-telangiectasia, complementation group E; Cerebello-oculocutaneous telangiectasia; Immunodeficiency with ataxia telangiectasia; ATAXIA-TELANGIECTASIA, COMPLEMENTATION GROUP A. Identifiers: Orphanet 100, MedGen C0004135, MONDO:0008840, OMIM 208900.

Submissions (2):

Mendelics
Classification: Uncertain significance for Ataxia-telangiectasia syndrome. Last evaluated: 2018-07-02. Review status: criteria provided, single submitter. Criteria: Mendelics Assertion Criteria 2017. Collection method: clinical testing. Allele origin: unknown.

Ambry Genetics
Classification: Uncertain significance for Hereditary cancer-predisposing syndrome. Last evaluated: 2015-10-13. Review status: criteria provided, single submitter. Criteria: Ambry Variant Classification Scheme 2023. Collection method: clinical testing. Allele origin: germline.
Comment: The p.N1720K variant (also known as c.5160C>A), located in coding exon 33 of the ATM gene, results from a C to A substitution at nucleotide position 5160. The asparagine at codon 1720 is replaced by lysine, an amino acid with similar properties. This variant was not reported in population based cohorts in the following databases: Database of Single Nucleotide Polymorphisms (dbSNP), NHLBI Exome Sequencing Project (ESP), and 1000 Genomes Project. In the ESP, this variant was not observed in 6499 samples (12998 alleles) with coverage at this position. To date, this alteration has been detected with an allele frequency of approximately 0.002% (greater than 66000 alleles tested) in our clinical cohort. This amino acid position is not well conserved in available vertebrate species. In addition, this alteration is predicted to be tolerated by in silico analysis. Since supporting evidence is limited at this time, the clinical significance of p.N1720K remains unclear.